The following is an entry in ClinVar:

NM_001035.3(RYR2):c.7956G>A (p.Leu2652=)

Gene: RYR2 (ryanodine receptor 2; plus strand). Cytogenetic location: 1q43.
Variant type: single nucleotide variant.
Coding change: c.7956G>A on transcript NM_001035.3 (MANE Select); coding-DNA position 7956, G replaced by A.
Protein change: p.Leu2652=; no amino-acid change (leucine 2652 retained).
Molecular consequence: synonymous variant.
Genome position (GRCh38, 1-based): chr1:237,654,405, G>A. VCF-style: chr1-237654405-G-A. GRCh37 (hg19) VCF-style: chr1-237817705-G-A.
Identifiers: ClinVar variation 3074770 (VCV003074770.1), dbSNP rs770556464, ClinGen allele CA087530.
Genomic context (GRCh38, chr1:237,654,405, plus strand): 5'-TGCCTCAGAAGAAGAACTTCATTTATCAAGAAAGTTGTTCTGGGGCATTTTTGATGCCCT[G>A]TCTCAAAAGGTAATTTAATGGTTTGTGGGTTTGTTTGTATCAATAAAATGGTATAGAGCC-3'
Protein context (NP_001026.2, residues 2642-2662): RKLFWGIFDA[Leu2652=]SQKKYEQELF

ClinVar aggregate classification (germline): Likely benign (1 of 4 stars; one submission).

Conditions:
Catecholaminergic polymorphic ventricular tachycardia (CVPT). Also called: Catecholamine-induced polymorphic ventricular tachycardia. Identifiers: Orphanet 3286, MedGen C5574922, MONDO:0017990.

Allele frequency attached by ClinVar (database versions not stated): gnomAD exomes below 0.00001; ExAC 0.00001.
gnomAD v4.1: 1 of 1,613,774 alleles (0.000062%); highest among the groups gnomAD compares: Non-Finnish European, 0.000085%; no homozygotes.

Submission:

All of Us Research Program, National Institutes of Health
Classification: Likely benign for Catecholaminergic polymorphic ventricular tachycardia. Last evaluated: 2023-12-13. Review status: criteria provided, single submitter. Criteria: ACMG Guidelines, 2015. Collection method: clinical testing. Allele origin: germline. Inheritance: Autosomal dominant inheritance. Observed: 1 variant allele, 1 heterozygote.
Comment: This study involves interpretation of variants in research participants for the purpose of population health screening. Participant phenotype was not available at the time of variant classification. Additional details can be found in publication PMID: 35346344, PMCID: PMC8962531